The following is an entry in ClinVar:

ClinVar aggregate classification (germline): Benign/Likely benign. Review status: criteria provided, multiple submitters, no conflicts (2 of 4 stars). 5 submissions from 5 submitters: Benign (3); Likely benign (1). 1 of the submissions does not count toward it. Last evaluated 2026-02-01.

Conditions:
SPINK5-related disorder. Also called: SPINK5-related condition.
Ichthyosis linearis circumflexa. Identifiers: MedGen C0265962, MONDO:0043106, HP:0025810.
Netherton syndrome (NETH). Also called: NETHERTON DISEASE; ERYTHRODERMA, ICHTHYOSIFORM, WITH HYPOTRICHOSIS AND HYPER-IgE; COMEL-NETHERTON SYNDROME. Identifiers: Orphanet 634, MedGen C5574950, MONDO:0009735, OMIM 256500.

Allele frequency attached by ClinVar (database versions not stated): gnomAD exomes 0.00103 and 0.00272; ExAC 0.00329; ESP Exome Variant Server 0.00945; gnomAD 0.01081 and 0.01171; 1000 Genomes Project 0.01098; 1000 Genomes Project 30x 0.01140; TOPMed 0.01212.
gnomAD v4.1: 3,252 of 1,614,068 alleles (0.2%); highest among the groups gnomAD compares: African/African-American, 3.7%; 61 homozygotes.

Submissions (8):

Labcorp Genetics (formerly Invitae), Labcorp
Classification: Benign for Ichthyosis linearis circumflexa. Last evaluated: 2026-02-01. Review status: criteria provided, single submitter. Criteria: Invitae Variant Classification Sherloc (09022015). Collection method: clinical testing. Allele origin: germline.

Women's Health and Genetics/Laboratory Corporation of America, LabCorp
Classification: Likely benign. Last evaluated: 2026-01-22. Review status: criteria provided, single submitter. Criteria: LabCorp Variant Classification Summary - May 2015. Collection method: clinical testing. Allele origin: germline.

Illumina Laboratory Services, Illumina
Classification: Benign for Netherton syndrome. Last evaluated: 2018-01-13. Review status: criteria provided, single submitter. Criteria: ICSL Variant Classification Criteria 13 December 2019. Collection method: clinical testing. Allele origin: germline.
Comment: This variant was observed in the ICSL laboratory as part of a predisposition screen in an ostensibly healthy population. It had not been previously curated by ICSL or reported in the Human Gene Mutation Database (HGMD: prior to June 1st, 2018), and was therefore a candidate for classification through an automated scoring system. Utilizing variant allele frequency, disease prevalence and penetrance estimates, and inheritance mode, an automated score was calculated to assess if this variant is too frequent to cause the disease. Based on the score and internal cut-off values, a variant classified as benign is not then subjected to further curation. The score for this variant resulted in a classification of benign for this disease.

GeneDx
Classification: Benign. Last evaluated: 2015-03-03. Review status: criteria provided, single submitter. Criteria: GeneDx Variant Classification Process June 2021. Collection method: clinical testing. Allele origin: germline. Affected: yes.

PreventionGenetics, part of Exact Sciences
Classification: Benign for SPINK5-related condition. Last evaluated: 2019-10-02. Review status: no assertion criteria provided. Collection method: clinical testing. Allele origin: germline. Not counted in ClinVar's aggregate classification.
Comment: This variant is classified as benign based on ACMG/AMP sequence variant interpretation guidelines (Richards et al. 2015 PMID: 25741868, with internal and published modifications).

Dr. Peter K. Rogan Lab, Western University
No classification provided (evidence only). Condition: Uterine corpus endometrial carcinoma. Review status: no classification provided. Collection method: in vitro. Allele origin: not applicable. Functional consequence: retained intron. Not counted in ClinVar's aggregate classification.

Dr. Peter K. Rogan Lab, Western University
No classification provided (evidence only). Condition: Thymoma. Review status: no classification provided. Collection method: in vitro. Allele origin: not applicable. Functional consequence: retained intron. Not counted in ClinVar's aggregate classification.

Dr. Peter K. Rogan Lab, Western University
No classification provided (evidence only). Condition: Ovarian serous cystadenocarcinoma. Review status: no classification provided. Collection method: in vitro. Allele origin: not applicable. Functional consequence: retained intron. Not counted in ClinVar's aggregate classification.

NM_006846.4(SPINK5):c.2754A>G (p.Glu918=)

Gene: SPINK5 (serine peptidase inhibitor Kazal type 5; plus strand). Cytogenetic location: 5q32.
Variant type: single nucleotide variant.
Coding change: c.2754A>G on transcript NM_006846.4 (MANE Select); coding-DNA position 2754, A replaced by G.
Protein change: p.Glu918=; no amino-acid change (glutamic acid 918 retained).
Molecular consequence: synonymous variant.
Genome position (GRCh38, 1-based): chr5:148,125,737, A>G. VCF-style: chr5-148125737-A-G. GRCh37 (hg19) VCF-style: chr5-147505300-A-G.
Other names: c.2844A>G, p.Glu948= (NM_001127698.2).
Identifiers: ClinVar variation 351536 (VCV000351536.21), dbSNP rs114635730, ClinGen allele CA3496135.